The following is an entry in ClinVar:

ClinVar aggregate classification (germline): Uncertain significance (1 of 4 stars; one submission).

Submission:

GeneDx
Classification: Uncertain significance. Last evaluated: 2024-01-20. Review status: criteria provided, single submitter. Criteria: GeneDx Variant Classification Process June 2021. Collection method: clinical testing. Allele origin: germline. Affected: yes.
Comment: Canonical splice site variant in a gene or region of a gene for which loss of function is not a well-established mechanism of disease; Not observed at significant frequency in large population cohorts (gnomAD); Has not been previously published as pathogenic or benign to our knowledge

NM_001046.3(SLC12A2):c.2616+1G>T

Gene: SLC12A2 (solute carrier family 12 member 2; plus strand). Cytogenetic location: 5q23.3.
Variant type: single nucleotide variant.
Coding change: c.2616+1G>T on transcript NM_001046.3 (MANE Select); the canonical splice donor site of the intron after coding-DNA position 2616, G replaced by T.
Molecular consequence: splice donor variant.
Genome position (GRCh38, 1-based): chr5:128,161,801, G>T. VCF-style: chr5-128161801-G-T. GRCh37 (hg19) VCF-style: chr5-127497493-G-T.
Other names: c.2616+1G>T (NM_001256461.2).
Identifiers: ClinVar variation 3367911 (VCV003367911.1).